The following is an entry in ClinVar:

ClinVar aggregate classification (germline): Uncertain significance. Review status: criteria provided, multiple submitters, no conflicts (2 of 4 stars). 2 submissions from 2 submitters: Uncertain significance (2). Last evaluated 2025-11-19.

Conditions:
CACNA1H-related disorder.
Idiopathic generalized epilepsy. Also called: EIG; Generalised epilepsy. Identifiers: MedGen C0270850, MONDO:0005579, OMIM 600669.
Hyperaldosteronism, familial, type IV (HALD4). Also called: FH IV; ALDOSTERONISM, PRIMARY, AND HYPERTENSION. Identifiers: Orphanet 642671, MedGen C4310756, MONDO:0014875, OMIM 617027.

Allele frequency attached by ClinVar (database versions not stated): gnomAD 0.00001.
gnomAD v4.1: 3 of 1,611,846 alleles (0.00019%); highest among the groups gnomAD compares: Admixed American, 0.0017%; no homozygotes.

Submissions (2):

Labcorp Genetics (formerly Invitae), Labcorp
Classification: Uncertain significance for Idiopathic generalized epilepsy; Hyperaldosteronism, familial, type IV. Last evaluated: 2025-11-19. Review status: criteria provided, single submitter. Criteria: Invitae Variant Classification Sherloc (09022015). Collection method: clinical testing. Allele origin: germline.
Comment: This sequence change replaces valine, which is neutral and non-polar, with isoleucine, which is neutral and non-polar, at codon 734 of the CACNA1H protein (p.Val734Ile). This variant is not present in population databases (gnomAD no frequency). This variant has not been reported in the literature in individuals affected with CACNA1H-related conditions. ClinVar contains an entry for this variant (Variation ID: 571156). Invitae Evidence Modeling of protein sequence and biophysical properties (such as structural, functional, and spatial information, amino acid conservation, physicochemical variation, residue mobility, and thermodynamic stability) indicates that this missense variant is not expected to disrupt CACNA1H protein function with a negative predictive value of 80%. In summary, the available evidence is currently insufficient to determine the role of this variant in disease. Therefore, it has been classified as a Variant of Uncertain Significance.

PreventionGenetics, part of Exact Sciences
Classification: Uncertain significance for CACNA1H-related condition. Last evaluated: 2023-03-08. Review status: criteria provided, single submitter. Criteria: ACMG Guidelines, 2015. Collection method: clinical testing. Allele origin: germline.
Comment: The CACNA1H c.2200G>A variant is predicted to result in the amino acid substitution p.Val734Ile. To our knowledge, this variant has not been reported in association with disorders in the literature or in a large population database, indicating this variant is rare. At this time, the clinical significance of this variant is uncertain due to the absence of conclusive functional and genetic evidence.

NM_021098.3(CACNA1H):c.2200G>A (p.Val734Ile)

Gene: CACNA1H (calcium voltage-gated channel subunit alpha1 H; plus strand). Cytogenetic location: 16p13.3.
Variant type: single nucleotide variant.
Coding change: c.2200G>A on transcript NM_021098.3 (MANE Select); coding-DNA position 2200, G replaced by A.
Protein change: p.Val734Ile; replaces valine 734 with isoleucine.
Molecular consequence: missense variant.
Genome position (GRCh38, 1-based): chr16:1,204,207, G>A. VCF-style: chr16-1204207-G-A. GRCh37 (hg19) VCF-style: chr16-1254207-G-A.
Other names: c.2200G>A, p.Val734Ile (NM_001005407.2); short protein forms V734I.
Identifiers: ClinVar variation 571156 (VCV000571156.9), dbSNP rs1567519932, ClinGen allele CA394165959.